The following is an entry in ClinVar:

ClinVar aggregate classification (germline): Conflicting classifications of pathogenicity. Review status: criteria provided, conflicting classifications (1 of 4 stars). 9 submissions from 9 submitters: Uncertain significance (1); Benign (4); Likely benign (3). 1 of the submissions does not count toward it. Last evaluated 2026-01-27.

Conditions:
Dystrophin deficiency.
Duchenne muscular dystrophy (DMD). Also called: MUSCULAR DYSTROPHY, PSEUDOHYPERTROPHIC PROGRESSIVE, DUCHENNE TYPE; Duchenne Muscular Dystrophy (DMD). Identifiers: Orphanet 98896, MedGen C0013264, MONDO:0010679, OMIM 310200.
Cardiomyopathy (CMYO). Also called: Cardiomyopathies. Identifiers: Orphanet 167848, MedGen C0878544, MONDO:0004994, HP:0001638. Inheritance: Various modes of inheritance.
Becker muscular dystrophy (BMD). Also called: MUSCULAR DYSTROPHY, PSEUDOHYPERTROPHIC PROGRESSIVE, BECKER TYPE; Becker Muscular Dystrophy (BMD). Identifiers: Orphanet 98895, MedGen C0917713, MONDO:0010311, OMIM 300376.
Cardiovascular phenotype. Identifiers: MedGen CN230736.

Allele frequency attached by ClinVar (database versions not stated): gnomAD 0.00003; TOPMed 0.00008; 1000 Genomes Project 30x 0.00021; 1000 Genomes Project 0.00026.
gnomAD v4.1: 57 of 1,206,084 alleles (0.0047%); highest among the groups gnomAD compares: Admixed American, 0.12%; no homozygotes.

Submissions (9):

Labcorp Genetics (formerly Invitae), Labcorp
Classification: Benign for Duchenne muscular dystrophy. Last evaluated: 2026-01-27. Review status: criteria provided, single submitter. Criteria: Invitae Variant Classification Sherloc (09022015). Collection method: clinical testing. Allele origin: germline.

Mayo Clinic Laboratories, Mayo Clinic
Classification: Likely benign. Last evaluated: 2025-09-11. Review status: criteria provided, single submitter. Criteria: ACMG Guidelines, 2015. Collection method: clinical testing. Allele origin: germline. Observed: 1 variant allele.
Comment: BS1, BS2_supporting, BP4_moderate

CeGaT Center for Human Genetics Tuebingen
Classification: Likely benign. Last evaluated: 2025-09-01. Review status: criteria provided, single submitter. Criteria: CeGaT Center For Human Genetics Tuebingen Variant Classification Criteria Version 2. Collection method: clinical testing. Allele origin: germline. Affected: yes. Observed: 1 variant allele.
Comment: DMD: BP4, BS2

Women's Health and Genetics/Laboratory Corporation of America, LabCorp
Classification: Likely benign. Last evaluated: 2025-06-12. Review status: criteria provided, single submitter. Criteria: LabCorp Variant Classification Summary - May 2015. Collection method: clinical testing. Allele origin: germline.

Ambry Genetics
Classification: Benign for Cardiovascular phenotype. Last evaluated: 2022-08-11. Review status: criteria provided, single submitter. Criteria: Ambry Variant Classification Scheme 2023. Collection method: clinical testing. Allele origin: germline.

ARUP Laboratories, Molecular Genetics and Genomics, ARUP Laboratories
Classification: Benign. Last evaluated: 2021-11-11. Review status: criteria provided, single submitter. Criteria: ARUP Molecular Germline Variant Investigation Process 2021. Collection method: clinical testing. Allele origin: germline.

GeneDx
Classification: Benign. Last evaluated: 2020-02-07. Review status: criteria provided, single submitter. Criteria: GeneDx Variant Classification Process June 2021. Collection method: clinical testing. Allele origin: germline. Affected: yes.

Eurofins Ntd Llc (ga)
Classification: Uncertain significance. Last evaluated: 2015-05-08. Review status: criteria provided, single submitter. Criteria: EGL Classification Definitions 2015. Collection method: clinical testing. Allele origin: germline. Observed: 2 variant alleles, 2 heterozygotes.

Natera, Inc.
Classification: Likely benign for Becker muscular dystrophy; Cardiomyopathy; Duchenne muscular dystrophy; Dystrophin deficiency. Last evaluated: 2019-06-21. Review status: no assertion criteria provided. Collection method: clinical testing. Allele origin: germline. Not counted in ClinVar's aggregate classification.

NM_004006.3(DMD):c.3419A>G (p.His1140Arg)

Gene: DMD (dystrophin; minus strand). Cytogenetic location: Xp21.1.
Variant type: single nucleotide variant.
Coding change: c.3419A>G on transcript NM_004006.3 (MANE Select); coding-DNA position 3419, A replaced by G.
Protein change: p.His1140Arg; replaces histidine 1140 with arginine.
Molecular consequence: missense variant.
Genome position (GRCh38, 1-based): chrX:32,463,452, T>C on the plus strand (A>G on the coding strand, the complement: DMD is on the minus strand). VCF-style: chrX-32463452-T-C. GRCh37 (hg19) VCF-style: chrX-32481569-T-C.
Other names: c.3395A>G, p.His1132Arg (NM_000109.4); c.3407A>G, p.His1136Arg (NM_004009.3); c.3050A>G, p.His1017Arg (NM_004010.3); short protein forms H1017R, H1136R, H1132R.
Identifiers: ClinVar variation 94588 (VCV000094588.37), dbSNP rs201297190, ClinGen allele CA222380.